The following is an entry in ClinVar:

NM_001174147.2(LMX1B):c.1035C>T (p.Asp345=)

Gene: LMX1B (LIM homeobox transcription factor 1 beta; plus strand). Cytogenetic location: 9q33.3.
Variant type: single nucleotide variant.
Coding change: c.1035C>T on transcript NM_001174147.2 (MANE Select); coding-DNA position 1035, C replaced by T.
Protein change: p.Asp345=; no amino-acid change (aspartic acid 345 retained).
Molecular consequence: synonymous variant. On other transcripts: intron variant (2).
Genome position (GRCh38, 1-based): chr9:126,695,987, C>T. VCF-style: chr9-126695987-C-T. GRCh37 (hg19) VCF-style: chr9-129458266-C-T.
Other names: c.1063+5C>T (NM_001174146.2); c.1030+5C>T (NM_002316.4).
Identifiers: ClinVar variation 1519038 (VCV001519038.8), dbSNP rs755830984, ClinGen allele CA5242508.
Genomic context (GRCh38, chr9:126,695,987, plus strand): 5'-CCCCTACGGCAGCAGCGACCCCTTCCAGCAGGGCCTCACGCCGCCCCAAATGCCAGGTGA[C>T]CACATGAACCCCTATGGTAAGCCGCCCTACCCCCACCCGCCCGCCCCAGCACAGCCCCTG-3'
Protein context (NP_001167618.1, residues 335-355): QGLTPPQMPG[Asp345=]HMNPYGNDSI

ClinVar aggregate classification (germline): Uncertain significance (1 of 4 stars; one submission).

Allele frequency attached by ClinVar (database versions not stated): gnomAD exomes below 0.00001 and 0.00002; gnomAD 0.00001; ExAC 0.00002; TOPMed 0.00002.

Submission:

Labcorp Genetics (formerly Invitae), Labcorp
Classification: Uncertain significance. Last evaluated: 2026-01-07. Review status: criteria provided, single submitter. Criteria: Invitae Variant Classification Sherloc (09022015). Collection method: clinical testing. Allele origin: germline.
Comment: This sequence change falls in intron 7 of the LMX1B gene. It does not directly change the encoded amino acid sequence of the LMX1B protein. It affects a nucleotide within the consensus splice site. This variant is present in population databases (rs755830984, gnomAD 0.02%). This variant has been observed in individual(s) with FSGS (internal data). ClinVar contains an entry for this variant (Variation ID: 1519038). Variants that disrupt the consensus splice site are a relatively common cause of aberrant splicing (PMID: 17576681, 9536098). Algorithms developed to predict the effect of sequence changes on RNA splicing suggest that this variant is not likely to affect RNA splicing. In summary, the available evidence is currently insufficient to determine the role of this variant in disease. Therefore, it has been classified as a Variant of Uncertain Significance.

Literature cited by the submitters: PubMed 17576681; PubMed 9536098.